The following is an entry in ClinVar:

NM_004629.2(FANCG):c.244G>A (p.Ala82Thr)

Gene: FANCG (FA complementation group G; minus strand). Cytogenetic location: 9p13.3.
Variant type: single nucleotide variant.
Coding change: c.244G>A on transcript NM_004629.2 (MANE Select); coding-DNA position 244, G replaced by A.
Protein change: p.Ala82Thr; replaces alanine 82 with threonine.
Molecular consequence: missense variant.
Genome position (GRCh38, 1-based): chr9:35,078,668, C>T on the plus strand (G>A on the coding strand, the complement: FANCG is on the minus strand). VCF-style: chr9-35078668-C-T. GRCh37 (hg19) VCF-style: chr9-35078665-C-T.
Other names: short protein forms A82T.
Identifiers: ClinVar variation 2724318 (VCV002724318.4), dbSNP rs2490408719, ClinGen allele CA373315298.
Genomic context (GRCh38, chr9:35,078,668, plus strand): 5'-TCTCTAGGCTCCGCTGGATATCCTGGGCCTGATCCTCTGTGAAACCCTGGGCCAAGCTTG[C>T]CCTCAGGATAATGAAGTTGCAGGTGACAGTCAGCTCCAAGGGAAGAACAGGAACAGCTGC-3'
Protein context (NP_004620.1, residues 72-92): TVTCNFIILR[Ala82Thr]SLAQGFTEDQ

ClinVar aggregate classification (germline): Uncertain significance. Review status: criteria provided, multiple submitters, no conflicts (2 of 4 stars). 2 submissions from 2 submitters: Uncertain significance (2). Last evaluated 2025-07-04.

Conditions:
Inborn genetic diseases. Identifiers: MedGen C0950123, MeSH D030342.
Fanconi anemia (FA). Also called: Fanconi's anemia. Identifiers: Orphanet 84, MedGen C0015625, MeSH D005199, MONDO:0019391.

Submissions (2):

Ambry Genetics
Classification: Uncertain significance for Inborn genetic diseases. Last evaluated: 2025-07-04. Review status: criteria provided, single submitter. Criteria: Ambry Variant Classification Scheme 2023. Collection method: clinical testing. Allele origin: germline.
Comment: The p.A82T variant (also known as c.244G>A), located in coding exon 3 of the FANCG gene, results from a G to A substitution at nucleotide position 244. The alanine at codon 82 is replaced by threonine, an amino acid with similar properties. This amino acid position is conserved. In addition, this alteration is predicted to be tolerated by in silico analysis. Based on the available evidence, the clinical significance of this variant remains unclear.

Labcorp Genetics (formerly Invitae), Labcorp
Classification: Uncertain significance for Fanconi anemia. Last evaluated: 2023-05-23. Review status: criteria provided, single submitter. Criteria: Invitae Variant Classification Sherloc (09022015). Collection method: clinical testing. Allele origin: germline.
Comment: In summary, the available evidence is currently insufficient to determine the role of this variant in disease. Therefore, it has been classified as a Variant of Uncertain Significance. Advanced modeling of protein sequence and biophysical properties (such as structural, functional, and spatial information, amino acid conservation, physicochemical variation, residue mobility, and thermodynamic stability) performed at Invitae indicates that this missense variant is not expected to disrupt FANCG protein function. This variant has not been reported in the literature in individuals affected with FANCG-related conditions. This variant is not present in population databases (gnomAD no frequency). This sequence change replaces alanine, which is neutral and non-polar, with threonine, which is neutral and polar, at codon 82 of the FANCG protein (p.Ala82Thr).